The following is an entry in ClinVar:

NM_018010.4(IFT57):c.1190T>A (p.Val397Glu)

Gene: IFT57 (intraflagellar transport 57; minus strand). Cytogenetic location: 3q13.12.
Variant type: single nucleotide variant.
Coding change: c.1190T>A on transcript NM_018010.4 (MANE Select); coding-DNA position 1190, T replaced by A.
Protein change: p.Val397Glu; replaces valine 397 with glutamic acid.
Molecular consequence: missense variant.
Genome position (GRCh38, 1-based): chr3:108,162,577, A>T on the plus strand (T>A on the coding strand, the complement: IFT57 is on the minus strand). VCF-style: chr3-108162577-A-T. GRCh37 (hg19) VCF-style: chr3-107881424-A-T.
Other names: c.1190T>A (NM_018010.3); short protein forms V397E.
Identifiers: ClinVar variation 3777034 (VCV003777034.3).

ClinVar aggregate classification (germline): Uncertain significance. Review status: criteria provided, multiple submitters, no conflicts (2 of 4 stars). 2 submissions from 2 submitters: Uncertain significance (2). Last evaluated 2025-03-07.

Conditions:
Bardet-Biedl syndrome (BBS). Identifiers: Orphanet 110, MedGen C0752166, MONDO:0015229.

gnomAD v4.1: 2 of 1,613,310 alleles (0.00012%); highest among the groups gnomAD compares: Non-Finnish European, 0.00017%; no homozygotes.

Submissions (2):

Ambry Genetics
Classification: Uncertain significance. Last evaluated: 2025-03-07. Review status: criteria provided, single submitter. Criteria: Ambry Variant Classification Scheme 2023. Collection method: clinical testing. Allele origin: germline.

Heon Lab, The Hospital for Sick Children
Classification: Uncertain significance for Bardet-Biedl syndrome. Last evaluated: 2025-03-04. Review status: criteria provided, single submitter. Criteria: ACMG Guidelines, 2015. Collection method: research. Allele origin: germline, not applicable. Inheritance: Autosomal recessive inheritance. Affected: yes. Observed: 1 compound heterozygote. Functional consequence: variation affecting protein function. Segregation with disease observed.
Comment: Immunoprecipitation showing missense lose interation with other IFT-B proteins. Immunofluorescence in fibroblast showing defect in the anterograde transport of primary cilia in the proband cells. Similar assay with model cell lines KO-IFT57 showing rescued with missense or controls.